The following is an entry in ClinVar:

ClinVar aggregate classification (germline): Uncertain significance (1 of 4 stars; one submission).

gnomAD v4.1: 1 of 1,607,768 alleles (0.000062%); highest among the groups gnomAD compares: East Asian, 0.0022%; no homozygotes.

Submission:

Ambry Genetics
Classification: Uncertain significance. Last evaluated: 2026-09-12. Review status: criteria provided, single submitter. Criteria: Ambry Variant Classification Scheme 2023. Collection method: clinical testing. Allele origin: germline.
Comment: The p.R429T variant (also known as c.1286G>C), located in coding exon 2 of the CDK12 gene, results from a G to C substitution at nucleotide position 1286. The arginine at codon 429 is replaced by threonine, an amino acid with similar properties. This amino acid position is conserved. In addition, this alteration is predicted to be tolerated by in silico analysis. Based on the available evidence, the clinical significance of this variant remains unclear.

NM_016507.4(CDK12):c.1286G>C (p.Arg429Thr)

Gene: CDK12 (cyclin dependent kinase 12; plus strand). Cytogenetic location: 17q12.
Variant type: single nucleotide variant.
Coding change: c.1286G>C on transcript NM_016507.4 (MANE Select); coding-DNA position 1286, G replaced by C.
Protein change: p.Arg429Thr; replaces arginine 429 with threonine.
Molecular consequence: missense variant.
Genome position (GRCh38, 1-based): chr17:39,471,118, G>C. VCF-style: chr17-39471118-G-C. GRCh37 (hg19) VCF-style: chr17-37627371-G-C.
Other names: c.1286G>C, p.Arg429Thr (NM_015083.4); short protein forms R429T.
Identifiers: ClinVar variation 5034197 (VCV005034197.1).